The following is an entry in ClinVar:

ClinVar aggregate classification (germline): Benign. Review status: criteria provided, multiple submitters, no conflicts (2 of 4 stars). 5 submissions from 4 submitters: Benign (5). Last evaluated 2026-01-26.

Conditions:
Connective tissue disorder. Also called: Connective tissue disease. Identifiers: MedGen C0009782, MONDO:0003900.
Dyggve-Melchior-Clausen syndrome (DMC). Also called: Dyggve-Melchior-Clausen disease; DMC syndrome. Identifiers: Orphanet 239, MedGen C0265286, MONDO:0009130, OMIM 223800.
Smith-McCort dysplasia 1 (SMC1). Also called: Smith-McCort dwarfism. Identifiers: MedGen C3888088, MONDO:0011814, OMIM 607326.

Allele frequency attached by ClinVar (database versions not stated): gnomAD exomes 0.00126 and 0.00318; ExAC 0.00400; gnomAD 0.01158 and 0.01221; TOPMed 0.01239; ESP Exome Variant Server 0.01322; 1000 Genomes Project 30x 0.01421; 1000 Genomes Project 0.01438.
gnomAD v4.1: 3,686 of 1,613,148 alleles (0.23%); highest among the groups gnomAD compares: African/African-American, 4%; 58 homozygotes.

Submissions (5):

Labcorp Genetics (formerly Invitae), Labcorp
Classification: Benign. Last evaluated: 2026-01-26. Review status: criteria provided, single submitter. Criteria: Invitae Variant Classification Sherloc (09022015). Collection method: clinical testing. Allele origin: germline.

ARUP Laboratories, Molecular Genetics and Genomics, ARUP Laboratories
Classification: Benign. Last evaluated: 2025-02-11. Review status: criteria provided, single submitter. Criteria: ARUP Molecular Germline Variant Investigation Process 2024. Collection method: clinical testing. Allele origin: germline.

Genome Diagnostics Laboratory, The Hospital for Sick Children
Classification: Benign for Connective tissue disorder. Last evaluated: 2020-03-01. Review status: criteria provided, single submitter. Criteria: ACMG Guidelines, 2015. Collection method: clinical testing. Allele origin: germline.

Illumina Laboratory Services, Illumina
Classification: Benign for Dyggve-Melchior-Clausen syndrome. Last evaluated: 2018-01-13. Review status: criteria provided, single submitter. Criteria: ICSL Variant Classification Criteria 13 December 2019. Collection method: clinical testing. Allele origin: germline.
Comment: This variant was observed in the ICSL laboratory as part of a predisposition screen in an ostensibly healthy population. It had not been previously curated by ICSL or reported in the Human Gene Mutation Database (HGMD: prior to June 1st, 2018), and was therefore a candidate for classification through an automated scoring system. Utilizing variant allele frequency, disease prevalence and penetrance estimates, and inheritance mode, an automated score was calculated to assess if this variant is too frequent to cause the disease. Based on the score and internal cut-off values, a variant classified as benign is not then subjected to further curation. The score for this variant resulted in a classification of benign for this disease.

Illumina Laboratory Services, Illumina
Classification: Benign for Smith-McCort dysplasia 1. Last evaluated: 2018-01-13. Review status: criteria provided, single submitter. Criteria: ICSL Variant Classification Criteria 13 December 2019. Collection method: clinical testing. Allele origin: germline.
Comment: the same text as in the submission from Illumina Laboratory Services, Illumina above.

NM_001353214.3(DYM):c.193+9G>A

Gene: DYM (dymeclin; minus strand). Cytogenetic location: 18q21.1.
Variant type: single nucleotide variant.
Coding change: c.193+9G>A on transcript NM_001353214.3 (MANE Select); 9 bases into the intron after coding-DNA position 193, G replaced by A.
Molecular consequence: intron variant.
Genome position (GRCh38, 1-based): chr18:49,391,584, C>T on the plus strand (G>A on the coding strand, the complement: DYM is on the minus strand). VCF-style: chr18-49391584-C-T. GRCh37 (hg19) VCF-style: chr18-46917954-C-T.
Other names: c.190+9G>A (NM_001374439.1, NM_001374429.1, NM_001353211.3 and 1 more transcripts); c.193+9G>A (NM_001374443.1, NM_001374444.1, NM_001374442.1 and 17 more transcripts).
Identifiers: ClinVar variation 326907 (VCV000326907.19), dbSNP rs111744206, ClinGen allele CA8958474.